The following is an entry in ClinVar:

ClinVar aggregate classification (germline): Uncertain significance (1 of 4 stars; one submission).

Conditions:
Desmin-related myofibrillar myopathy (MFM1). Also called: Desminopathy; Desmin related myopathy (former name); Desmin storage myopathy (former name); MYOFIBRILLAR MYOPATHY WITH ARRHYTHMOGENIC RIGHT VENTRICULAR CARDIOMYOPATHY; DESMIN-RELATED MYOPATHY WITH ARRHYTHMOGENIC RIGHT VENTRICULAR CARDIOMYOPATHY; Myofibrillar myopathy 1. Identifiers: Orphanet 363543, Orphanet 98909, MedGen C1832370, MONDO:0011076, OMIM 601419.

Allele frequency attached by ClinVar (database versions not stated): TOPMed 0.00001.
gnomAD v4.1: 3 of 1,601,256 alleles (0.00019%); highest among the groups gnomAD compares: South Asian, 0.0011%; no homozygotes.

Submission:

Labcorp Genetics (formerly Invitae), Labcorp
Classification: Uncertain significance for Desmin-related myofibrillar myopathy. Last evaluated: 2026-01-02. Review status: criteria provided, single submitter. Criteria: Invitae Variant Classification Sherloc (09022015). Collection method: clinical testing. Allele origin: germline.
Comment: This sequence change replaces valine, which is neutral and non-polar, with methionine, which is neutral and non-polar, at codon 11 of the DES protein (p.Val11Met). The frequency data for this variant in the population databases is considered unreliable, as metrics indicate poor data quality at this position in the gnomAD database. This variant has not been reported in the literature in individuals affected with DES-related conditions. ClinVar contains an entry for this variant (Variation ID: 2939821). Invitae Evidence Modeling of protein sequence and biophysical properties (such as structural, functional, and spatial information, amino acid conservation, physicochemical variation, residue mobility, and thermodynamic stability) indicates that this missense variant is not expected to disrupt DES protein function with a negative predictive value of 80%. In summary, the available evidence is currently insufficient to determine the role of this variant in disease. Therefore, it has been classified as a Variant of Uncertain Significance.

NM_001927.4(DES):c.31G>A (p.Val11Met)

Gene: DES (desmin; plus strand). Cytogenetic location: 2q35.
Variant type: single nucleotide variant.
Coding change: c.31G>A on transcript NM_001927.4 (MANE Select); coding-DNA position 31, G replaced by A.
Protein change: p.Val11Met; replaces valine 11 with methionine.
Molecular consequence: missense variant.
Genome position (GRCh38, 1-based): chr2:219,418,493, G>A. VCF-style: chr2-219418493-G-A. GRCh37 (hg19) VCF-style: chr2-220283215-G-A.
Other names: c.31G>A, p.Val11Met (NM_001382708.1, NM_001382709.1, NM_001382710.1 and 3 more transcripts); short protein forms V11M.
Identifiers: ClinVar variation 2939821 (VCV002939821.3), dbSNP rs1475120487, ClinGen allele CA350682204.
Genomic context (GRCh38, chr2:219,418,493, plus strand): 5'-GCGCCCGCCAGCCTCGCCCGCGCCGTCACCATGAGCCAGGCCTACTCGTCCAGCCAGCGC[G>A]TGTCCTCCTACCGCCGCACCTTCGGCGGGGCCCCGGGCTTCCCACTCGGCTCCCCGCTGA-3'
Protein context (NP_001918.3, residues 1-21): MSQAYSSSQR[Val11Met]SSYRRTFGGA